The following is an entry in ClinVar:

ClinVar aggregate classification (germline): Benign. Review status: criteria provided, multiple submitters, no conflicts (2 of 4 stars). 2 submissions from 2 submitters: Benign (2). Last evaluated 2019-07-26.

Conditions:
Peutz-Jeghers syndrome (PJS). Also called: POLYPOSIS, HAMARTOMATOUS INTESTINAL; POLYPS-AND-SPOTS SYNDROME; Peutz-Jeghers polyposis; Periorificial lentiginosis syndrome. Identifiers: Orphanet 2869, MedGen C0031269, MeSH D010580, MONDO:0008280, OMIM 175200.

Allele frequency attached by ClinVar (database versions not stated): gnomAD exomes 0.00325; gnomAD 0.01534 and 0.01666; TOPMed 0.01728; 1000 Genomes Project 0.01757; 1000 Genomes Project 30x 0.01765.

Submissions (2):

GeneDx
Classification: Benign. Last evaluated: 2019-07-26. Review status: criteria provided, single submitter. Criteria: GeneDx Variant Classification Process June 2021. Collection method: clinical testing. Allele origin: germline. Affected: yes.

Illumina Laboratory Services, Illumina
Classification: Benign for Peutz-Jeghers syndrome. Last evaluated: 2018-01-13. Review status: criteria provided, single submitter. Criteria: ICSL Variant Classification Criteria 13 December 2019. Collection method: clinical testing. Allele origin: germline.
Comment: This variant was observed in the ICSL laboratory as part of a predisposition screen in an ostensibly healthy population. It had not been previously curated by ICSL or reported in the Human Gene Mutation Database (HGMD: prior to June 1st, 2018), and was therefore a candidate for classification through an automated scoring system. Utilizing variant allele frequency, disease prevalence and penetrance estimates, and inheritance mode, an automated score was calculated to assess if this variant is too frequent to cause the disease. Based on the score and internal cut-off values, a variant classified as benign is not then subjected to further curation. The score for this variant resulted in a classification of benign for this disease.

NM_000455.5(STK11):c.-1024C>T

Genes: STK11 (serine/threonine kinase 11; plus strand), LOC130062895 (ATAC-STARR-seq lymphoblastoid silent region 9670; plus strand). Cytogenetic location: 19p13.3.
Variant type: single nucleotide variant.
Coding change: c.-1024C>T on transcript NM_000455.5 (MANE Select); 1024 bases upstream of the start codon, C replaced by T.
Molecular consequence: 5 prime UTR variant.
Genome position (GRCh38, 1-based): chr19:1,205,890, C>T. VCF-style: chr19-1205890-C-T. GRCh37 (hg19) VCF-style: chr19-1205889-C-T.
Identifiers: ClinVar variation 328204 (VCV000328204.8), dbSNP rs147615524, ClinGen allele CA10642257.